The following is an entry in ClinVar:

NM_003378.4(VGF):c.1476G>C (p.Pro492=)

Gene: VGF (VGF nerve growth factor inducible; minus strand). Cytogenetic location: 7q22.1.
Variant type: single nucleotide variant.
Coding change: c.1476G>C on transcript NM_003378.4 (MANE Select); coding-DNA position 1476, G replaced by C.
Protein change: p.Pro492=; no amino-acid change (proline 492 retained).
Molecular consequence: synonymous variant.
Genome position (GRCh38, 1-based): chr7:101,163,368, C>G on the plus strand (G>C on the coding strand, the complement: VGF is on the minus strand). VCF-style: chr7-101163368-C-G. GRCh37 (hg19) VCF-style: chr7-100806649-C-G.
Identifiers: ClinVar variation 712058 (VCV000712058.28), dbSNP rs557696335, ClinGen allele CA4406219.

ClinVar aggregate classification (germline): Benign/Likely benign. Review status: criteria provided, multiple submitters, no conflicts (2 of 4 stars). 2 submissions from 2 submitters: Benign (1); Likely benign (1). Last evaluated 2022-05-01.

Allele frequency attached by ClinVar (database versions not stated): 1000 Genomes Project 30x 0.00062; 1000 Genomes Project 0.00080.
gnomAD v4.1: 2,911 of 1,530,266 alleles (0.19%); highest among the groups gnomAD compares: Non-Finnish European, 0.22%; 7 homozygotes.

Submissions (2):

CeGaT Center for Human Genetics Tuebingen
Classification: Likely benign. Last evaluated: 2022-05-01. Review status: criteria provided, single submitter. Criteria: CeGaT Center For Human Genetics Tuebingen Variant Classification Criteria Version 2. Collection method: clinical testing. Allele origin: germline. Affected: yes. Observed: 1 variant allele.
Comment: VGF: BP4, BP7

Labcorp Genetics (formerly Invitae), Labcorp
Classification: Benign. Last evaluated: 2019-12-31. Review status: criteria provided, single submitter. Criteria: Invitae Variant Classification Sherloc (09022015). Collection method: clinical testing. Allele origin: germline.